The following is an entry in ClinVar:

NM_025179.4(PLXNA2):c.2824A>G (p.Met942Val)

Gene: PLXNA2 (plexin A2; minus strand). Cytogenetic location: 1q32.2.
Variant type: single nucleotide variant.
Coding change: c.2824A>G on transcript NM_025179.4 (MANE Select); coding-DNA position 2824, A replaced by G.
Protein change: p.Met942Val; replaces methionine 942 with valine.
Molecular consequence: missense variant.
Genome position (GRCh38, 1-based): chr1:208,054,453, T>C on the plus strand (A>G on the coding strand, the complement: PLXNA2 is on the minus strand). VCF-style: chr1-208054453-T-C. GRCh37 (hg19) VCF-style: chr1-208227798-T-C.
Other names: short protein forms M942V.
Identifiers: ClinVar variation 4778974 (VCV004778974.1).

ClinVar aggregate classification (germline): Uncertain significance (1 of 4 stars; one submission).

gnomAD v4.1: 5 of 1,614,152 alleles (0.00031%); highest among the groups gnomAD compares: African/African-American, 0.0013%; no homozygotes.

Submission:

Labcorp Genetics (formerly Invitae), Labcorp
Classification: Uncertain significance. Last evaluated: 2025-06-03. Review status: criteria provided, single submitter. Criteria: Invitae Variant Classification Sherloc (09022015). Collection method: clinical testing. Allele origin: germline.
Comment: This sequence change replaces methionine, which is neutral and non-polar, with valine, which is neutral and non-polar, at codon 942 of the PLXNA2 protein (p.Met942Val). This variant is present in population databases (rs757470444, gnomAD 0.007%). This variant has not been reported in the literature in individuals affected with PLXNA2-related conditions. Invitae Evidence Modeling of protein sequence and biophysical properties (such as structural, functional, and spatial information, amino acid conservation, physicochemical variation, residue mobility, and thermodynamic stability) indicates that this missense variant is not expected to disrupt PLXNA2 protein function with a negative predictive value of 80%. In summary, the available evidence is currently insufficient to determine the role of this variant in disease. Therefore, it has been classified as a Variant of Uncertain Significance.